The following is an entry in ClinVar:

NM_213599.3(ANO5):c.1716C>A (p.Cys572Ter)

Gene: ANO5 (anoctamin 5; plus strand). Cytogenetic location: 11p14.3.
Variant type: single nucleotide variant.
Coding change: c.1716C>A on transcript NM_213599.3 (MANE Select); coding-DNA position 1716, C replaced by A.
Protein change: p.Cys572Ter; replaces cysteine 572 with a stop codon.
Molecular consequence: nonsense.
Genome position (GRCh38, 1-based): chr11:22,262,214, C>A. VCF-style: chr11-22262214-C-A. GRCh37 (hg19) VCF-style: chr11-22283760-C-A.
Other names: c.1713C>A, p.Cys571Ter (NM_001142649.2); short protein forms C571*, C572*.
Identifiers: ClinVar variation 1323166 (VCV001323166.10), dbSNP rs368389717, ClinGen allele CA5923326.

ClinVar aggregate classification (germline): Pathogenic/Likely pathogenic. Review status: criteria provided, multiple submitters, no conflicts (2 of 4 stars). 3 submissions from 3 submitters: Pathogenic (2); Likely pathogenic (1). Last evaluated 2024-08-12.

Conditions:
Gnathodiaphyseal dysplasia (GDD). Also called: GNATHODIAPHYSEAL SCLEROSIS; OSTEOGENESIS IMPERFECTA WITH UNUSUAL SKELETAL LESIONS. Identifiers: Orphanet 53697, MedGen C1833736, MONDO:0008151, OMIM 166260.
Autosomal recessive limb-girdle muscular dystrophy type 2L (LGMDR12). Also called: Limb-Girdle Muscular Dystrophy R12 Anoctamin-5-Related (LGMD-R12); MUSCULAR DYSTROPHY, LIMB-GIRDLE, AUTOSOMAL RECESSIVE 12; Limb-girdle muscular dystrophy, type 2L. Identifiers: Orphanet 206549, MedGen C1969785, MONDO:0012652, OMIM 611307.
ANO5-related disorder. Also called: ANO5-related condition; ANO5-related disorders. Identifiers: MedGen CN239193.

Allele frequency attached by ClinVar (database versions not stated): TOPMed below 0.00001; ESP Exome Variant Server 0.00008.

Submissions (3):

Labcorp Genetics (formerly Invitae), Labcorp
Classification: Pathogenic for Autosomal recessive limb-girdle muscular dystrophy type 2L; Gnathodiaphyseal dysplasia. Last evaluated: 2024-08-12. Review status: criteria provided, single submitter. Criteria: Invitae Variant Classification Sherloc (09022015). Collection method: clinical testing. Allele origin: germline.
Comment: This sequence change creates a premature translational stop signal (p.Cys572*) in the ANO5 gene. It is expected to result in an absent or disrupted protein product. Loss-of-function variants in ANO5 are known to be pathogenic (PMID: 21186264, 23606453, 25891276, 30919934). This variant is present in population databases (rs368389717, gnomAD 0.0009%). This variant has not been reported in the literature in individuals affected with ANO5-related conditions. ClinVar contains an entry for this variant (Variation ID: 1323166). Algorithms developed to predict the effect of sequence changes on RNA splicing suggest that this variant may disrupt the consensus splice site. For these reasons, this variant has been classified as Pathogenic.

Blueprint Genetics
Classification: Likely pathogenic for ANO5-related disorders. Last evaluated: 2021-10-08. Review status: criteria provided, single submitter. Criteria: ACMG Guidelines, 2015. Collection method: clinical testing. Allele origin: germline. Affected: yes. Observed: 1 variant allele.

Revvity Omics, Revvity
Classification: Pathogenic. Last evaluated: 2020-03-02. Review status: criteria provided, single submitter. Criteria: ACMG Guidelines, 2015. Collection method: clinical testing. Allele origin: germline.

Literature cited by the submitters: PubMed 21186264 (cited by Labcorp Genetics (formerly Invitae), Labcorp); PubMed 23606453 (cited by Labcorp Genetics (formerly Invitae), Labcorp); PubMed 25891276 (cited by Labcorp Genetics (formerly Invitae), Labcorp); PubMed 30919934 (cited by Labcorp Genetics (formerly Invitae), Labcorp).